The following is an entry in ClinVar:

NM_006416.5(SLC35A1):c.523TTA[1] (p.Leu176del)

Gene: SLC35A1 (solute carrier family 35 member A1; plus strand). Cytogenetic location: 6q15.
Variant type: Microsatellite.
Coding change: c.523TTA[1] on transcript NM_006416.5 (MANE Select); one copy of the 3-base unit TTA starting at c.523; the reference has two copies in a row; one copy, 3 bases deleted.
Protein change: p.Leu176del; deletes leucine 176.
Molecular consequence: inframe deletion.
Genome position (GRCh38, 1-based): chr6:87,506,400-87,506,402, TTA deleted; deleting any 3 consecutive bases within chr6:87,506,396-87,506,402 gives the same sequence; the position shown is the placement nearest the transcript's 3' end. VCF-style (leftmost placement, unchanged base first): chr6-87506395-CATT-C. GRCh37 (hg19) VCF-style: chr6-88216113-CATT-C.
Other names: c.523TTA[1], p.Leu176del (NM_001168398.2); short protein forms L176del.
Identifiers: ClinVar variation 1976646 (VCV001976646.5), dbSNP rs760516743, ClinGen allele CA3915993.

ClinVar aggregate classification (germline): Uncertain significance (1 of 4 stars; one submission).

Conditions:
SLC35A1-congenital disorder of glycosylation. Also called: CDG IIf; CONGENITAL DISORDER OF GLYCOSYLATION, TYPE IIf; SLC35A1-CDG. Identifiers: Orphanet 238459, MedGen C1970344, MONDO:0011342, OMIM 603585.

Submission:

Labcorp Genetics (formerly Invitae), Labcorp
Classification: Uncertain significance for SLC35A1-congenital disorder of glycosylation. Last evaluated: 2022-08-16. Review status: criteria provided, single submitter. Criteria: Invitae Variant Classification Sherloc (09022015). Collection method: clinical testing. Allele origin: germline.
Comment: This variant has not been reported in the literature in individuals affected with SLC35A1-related conditions. In summary, the available evidence is currently insufficient to determine the role of this variant in disease. Therefore, it has been classified as a Variant of Uncertain Significance. Experimental studies and prediction algorithms are not available or were not evaluated, and the functional significance of this variant is currently unknown. This variant is present in population databases (rs760516743, gnomAD 0.01%). This variant, c.526_528del, results in the deletion of 1 amino acid(s) of the SLC35A1 protein (p.Leu176del), but otherwise preserves the integrity of the reading frame.